The following is an entry in ClinVar:

ClinVar aggregate classification (germline): Uncertain significance (1 of 4 stars; one submission).

Conditions:
Epilepsy, progressive myoclonic, 1B. Also called: PME. Identifiers: Orphanet 308, MedGen C2676254, MONDO:0012904, OMIM 612437.

Allele frequency attached by ClinVar (database versions not stated): gnomAD exomes below 0.00001; TOPMed 0.00001.
gnomAD v4.1: 1 of 1,614,186 alleles (0.000062%); no homozygotes.

Submission:

Labcorp Genetics (formerly Invitae), Labcorp
Classification: Uncertain significance for Epilepsy, progressive myoclonic, 1B. Last evaluated: 2025-02-10. Review status: criteria provided, single submitter. Criteria: Invitae Variant Classification Sherloc (09022015). Collection method: clinical testing. Allele origin: germline.
Comment: This sequence change replaces tyrosine, which is neutral and polar, with cysteine, which is neutral and slightly polar, at codon 247 of the PRICKLE1 protein (p.Tyr247Cys). This variant is not present in population databases (gnomAD no frequency). This variant has not been reported in the literature in individuals affected with PRICKLE1-related conditions. ClinVar contains an entry for this variant (Variation ID: 2072799). Invitae Evidence Modeling of protein sequence and biophysical properties (such as structural, functional, and spatial information, amino acid conservation, physicochemical variation, residue mobility, and thermodynamic stability) indicates that this missense variant is expected to disrupt PRICKLE1 protein function with a positive predictive value of 80%. In summary, the available evidence is currently insufficient to determine the role of this variant in disease. Therefore, it has been classified as a Variant of Uncertain Significance.

NM_153026.3(PRICKLE1):c.740A>G (p.Tyr247Cys)

Gene: PRICKLE1 (prickle planar cell polarity protein 1; minus strand). Cytogenetic location: 12q12.
Variant type: single nucleotide variant.
Coding change: c.740A>G on transcript NM_153026.3 (MANE Select); coding-DNA position 740, A replaced by G.
Protein change: p.Tyr247Cys; replaces tyrosine 247 with cysteine.
Molecular consequence: missense variant.
Genome position (GRCh38, 1-based): chr12:42,466,229, T>C on the plus strand (A>G on the coding strand, the complement: PRICKLE1 is on the minus strand). VCF-style: chr12-42466229-T-C. GRCh37 (hg19) VCF-style: chr12-42860031-T-C.
Other names: c.740A>G, p.Tyr247Cys (NM_001144881.2, NM_001144882.2, NM_001144883.2); short protein forms Y247C.
Identifiers: ClinVar variation 2072799 (VCV002072799.4), dbSNP rs1938090330, ClinGen allele CA384443286.
Genomic context (GRCh38, chr12:42,466,229, plus strand): 5'-GCAGACGGGCTGGCTGTGGACTTACCAATATGTTCCCCACAGGTTTCACAGTACTCCGCA[T>C]AGAGAGACTCAAAACAGCCACAGCAGAAGGGGCGGCCGTCCTTCATGATATACCTCTGTC-3'
Protein context (NP_694571.2, residues 237-257): PFCCGCFESL[Tyr247Cys]AEYCETCGEH